The following is an entry in ClinVar:

NM_018191.4(RCBTB1):c.1046-2276T>A

Gene: RCBTB1 (RCC1 and BTB domain containing protein 1; minus strand). Cytogenetic location: 13q14.2.
Variant type: single nucleotide variant.
Coding change: c.1046-2276T>A on transcript NM_018191.4 (MANE Select); 2276 bases into the intron before coding-DNA position 1046, T replaced by A.
Molecular consequence: intron variant. On other transcripts: 3 prime UTR variant (1).
Genome position (GRCh38, 1-based): chr13:49,547,139, A>T on the plus strand (T>A on the coding strand, the complement: RCBTB1 is on the minus strand). VCF-style: chr13-49547139-A-T. GRCh37 (hg19) VCF-style: chr13-50121275-A-T.
Other names: c.*10T>A (NM_001352505.2); c.1046-2276T>A (NM_001352501.2, NM_001352502.2, NM_001352503.2 and 2 more transcripts); c.467-2276T>A (NM_001352506.2).
Identifiers: ClinVar variation 3049677 (VCV003049677.2), dbSNP rs984546835, ClinGen allele CA249363630.

ClinVar aggregate classification (germline): Likely benign (0 of 4 stars; one submission).

Conditions:
RCBTB1-related disorder. Also called: RCBTB1-related condition.

Allele frequency attached by ClinVar (database versions not stated): gnomAD exomes 0.00001; gnomAD 0.00022.
gnomAD v4.1: 45 of 1,278,598 alleles (0.0035%); highest among the groups gnomAD compares: African/African-American, 0.065%; no homozygotes.

Submission:

PreventionGenetics, part of Exact Sciences
Classification: Likely benign for RCBTB1-related condition. Last evaluated: 2019-07-12. Review status: no assertion criteria provided. Collection method: clinical testing. Allele origin: germline.
Comment: This variant is classified as likely benign based on ACMG/AMP sequence variant interpretation guidelines (Richards et al. 2015 PMID: 25741868, with internal and published modifications).